The following is an entry in ClinVar:

ClinVar aggregate classification (germline): Uncertain significance. Review status: criteria provided, multiple submitters, no conflicts (2 of 4 stars). 2 submissions from 2 submitters: Uncertain significance (2). Last evaluated 2025-01-04.

Conditions:
Inborn genetic diseases. Identifiers: MedGen C0950123, MeSH D030342.
Early-infantile DEE. Also called: Early infantile epileptic encephalopathy with suppression bursts; Ohtahara syndrome; Early infantile epileptic encephalopathy. Identifiers: Orphanet 1934, MedGen C0393706, MONDO:0800491.

gnomAD v4.1: 4 of 1,614,008 alleles (0.00025%); highest among the groups gnomAD compares: Non-Finnish European, 0.00034%; no homozygotes.

Submissions (2):

Ambry Genetics
Classification: Uncertain significance for Inborn genetic diseases. Last evaluated: 2025-01-04. Review status: criteria provided, single submitter. Criteria: Ambry Variant Classification Scheme 2023. Collection method: clinical testing. Allele origin: germline.

Labcorp Genetics (formerly Invitae), Labcorp
Classification: Uncertain significance for Early-infantile DEE. Last evaluated: 2024-10-17. Review status: criteria provided, single submitter. Criteria: Invitae Variant Classification Sherloc (09022015). Collection method: clinical testing. Allele origin: germline.
Comment: This sequence change replaces threonine, which is neutral and polar, with asparagine, which is neutral and polar, at codon 2439 of the SPTAN1 protein (p.Thr2439Asn). This variant is present in population databases (rs746532292, gnomAD 0.0009%). This variant has not been reported in the literature in individuals affected with SPTAN1-related conditions. ClinVar contains an entry for this variant (Variation ID: 1356776). Invitae Evidence Modeling of protein sequence and biophysical properties (such as structural, functional, and spatial information, amino acid conservation, physicochemical variation, residue mobility, and thermodynamic stability) has been performed for this missense variant. However, the output from this modeling did not meet the statistical confidence thresholds required to predict the impact of this variant on SPTAN1 protein function. In summary, the available evidence is currently insufficient to determine the role of this variant in disease. Therefore, it has been classified as a Variant of Uncertain Significance.

NM_001130438.3(SPTAN1):c.7316C>A (p.Thr2439Asn)

Gene: SPTAN1 (spectrin alpha, non-erythrocytic 1; plus strand). Cytogenetic location: 9q34.11.
Variant type: single nucleotide variant.
Coding change: c.7316C>A on transcript NM_001130438.3 (MANE Select); coding-DNA position 7316, C replaced by A.
Protein change: p.Thr2439Asn; replaces threonine 2439 with asparagine.
Molecular consequence: missense variant.
Genome position (GRCh38, 1-based): chr9:128,633,216, C>A. VCF-style: chr9-128633216-C-A. GRCh37 (hg19) VCF-style: chr9-131395495-C-A.
Other names: c.7316C>A (NM_001130438.2); c.7241C>A, p.Thr2414Asn (NM_001195532.2); c.7379C>A, p.Thr2460Asn (NM_001363759.2); c.7256C>A, p.Thr2419Asn (NM_001363765.2, NM_001375314.2); c.7403C>A, p.Thr2468Asn (NM_001375310.1); c.7316C>A, p.Thr2439Asn (NM_001375311.2); c.7352C>A, p.Thr2451Asn (NM_001375312.2); c.7298C>A, p.Thr2433Asn (NM_001375313.1); and 2 more; short protein forms T2414N, T2433N, T2468N, T2451N, T2472N, T2419N, T2434N, T2439N.
Identifiers: ClinVar variation 1356776 (VCV001356776.8), dbSNP rs746532292, ClinGen allele CA5266082.